The following is an entry in ClinVar:

NM_004963.4(GUCY2C):c.1638G>T (p.Lys546Asn)

Gene: GUCY2C (guanylate cyclase 2C; minus strand). Cytogenetic location: 12p12.3.
Variant type: single nucleotide variant.
Coding change: c.1638G>T on transcript NM_004963.4 (MANE Select); coding-DNA position 1638, G replaced by T.
Protein change: p.Lys546Asn; replaces lysine 546 with asparagine.
Molecular consequence: missense variant.
Genome position (GRCh38, 1-based): chr12:14,651,479, C>A on the plus strand (G>T on the coding strand, the complement: GUCY2C is on the minus strand). VCF-style: chr12-14651479-C-A. GRCh37 (hg19) VCF-style: chr12-14804413-C-A.
Other names: short protein forms K546N.
Identifiers: ClinVar variation 3343192 (VCV003343192.1).
Genomic context (GRCh38, chr12:14,651,479, plus strand): 5'-TCTCTCACAGTATTCTATCACCCCGAAGATCATGGTATCAAGTTTCACTGTGCCGTAGAA[C>A]TTGGTCAGGTTGTAATAGTCAATCTGAAGCAACTAGAAGAACGTGTTTGTTTACAAAGCA-3'
Protein context (NP_004954.2, residues 536-556): LLQIDYYNLT[Lys546Asn]FYGTVKLDTM

ClinVar aggregate classification (germline): Uncertain significance (1 of 4 stars; one submission).

Submission:

GeneDx
Classification: Uncertain significance. Last evaluated: 2023-04-27. Review status: criteria provided, single submitter. Criteria: GeneDx Variant Classification Process June 2021. Collection method: clinical testing. Allele origin: germline. Affected: yes.
Comment: Not observed at significant frequency in large population cohorts (gnomAD); In silico analysis supports that this missense variant has a deleterious effect on protein structure/function; Has not been previously published as pathogenic or benign to our knowledge